The following is an entry in ClinVar:

NM_178497.5(ODAPH):c.225dup (p.Pro76fs)

Gene: ODAPH (odontogenesis associated phosphoprotein; plus strand). Cytogenetic location: 4q21.1.
Variant type: Duplication.
Coding change: c.225dup on transcript NM_178497.5 (MANE Select); coding-DNA position 225, one base duplicated (T; older notation c.225dupT).
Protein change: p.Pro76fs; shifts the reading frame from proline 76.
Molecular consequence: frameshift variant. On other transcripts: intron variant (1).
Genome position (GRCh38, 1-based): chr4:75,564,271, T duplicated; the last of 7 consecutive T bases (chr4:75,564,265-75,564,271); duplicating any one gives the same sequence. VCF-style (leftmost placement, unchanged base first): chr4-75564264-A-AT. GRCh37 (hg19) VCF-style: chr4-76489474-A-AT.
Other names: c.269dup, p.His91fs (NM_001206981.2); c.206+19dup (NM_001257072.2); short protein forms H91fs, P76fs.
Identifiers: ClinVar variation 4813733 (VCV004813733.1).

ClinVar aggregate classification (germline): Likely pathogenic (1 of 4 stars; one submission).

Conditions:
Amelogenesis imperfecta hypomaturation type 2A4. Also called: Amelogenesis imperfecta, hypomaturation type, IIA4. Identifiers: Orphanet 88661, MedGen C3553830, MONDO:0013906, OMIM 614832.

Submission:

Variantyx, Inc.
Classification: Likely pathogenic for Amelogenesis imperfecta hypomaturation type 2A4. Last evaluated: 2026-01-21. Review status: criteria provided, single submitter. Criteria: Variantyx Assertion Criteria 2022. Collection method: clinical testing. Allele origin: germline. Inheritance: Autosomal recessive inheritance. Affected: yes.
Comment: This is a frameshift variant in the ODAPH gene (OMIM: 614829). Pathogenic variants in this gene have been associated with autosomal recessive amelogenesis imperfecta, type IIA4. This variant introduces a premature termination codon in exon 2 out of 2 and is expected to result in loss of function, which is a known disease mechanism for ODAPH in this disorder (PMID: 22901946) (PVS1). This variant is absent from control populations (PM2). Based on the current evidence, this variant is classified as likely pathogenic for autosomal recessive amelogenesis imperfecta, type IIA4.

Literature cited by the submitters: PubMed 22901946.